The following is an entry in ClinVar:

NM_024079.5(ALG8):c.1285A>G (p.Ile429Val)

Gene: ALG8 (ALG8 alpha-1,3-glucosyltransferase; minus strand). Cytogenetic location: 11q14.1.
Variant type: single nucleotide variant.
Coding change: c.1285A>G on transcript NM_024079.5 (MANE Select); coding-DNA position 1285, A replaced by G.
Protein change: p.Ile429Val; replaces isoleucine 429 with valine.
Molecular consequence: missense variant.
Genome position (GRCh38, 1-based): chr11:78,104,044, T>C on the plus strand (A>G on the coding strand, the complement: ALG8 is on the minus strand). VCF-style: chr11-78104044-T-C. GRCh37 (hg19) VCF-style: chr11-77815090-T-C.
Other names: c.1285A>G, p.Ile429Val (NM_001007027.3); short protein forms I429V.
Identifiers: ClinVar variation 538563 (VCV000538563.16), dbSNP rs200068321, ClinGen allele CA6203155.

ClinVar aggregate classification (germline): Uncertain significance. Review status: criteria provided, multiple submitters, no conflicts (2 of 4 stars). 6 submissions from 6 submitters: Uncertain significance (6). Last evaluated 2025-10-28.

Conditions:
ALG8 congenital disorder of glycosylation. Also called: CONGENITAL DISORDER OF GLYCOSYLATION, TYPE Ih; ALG8-CDG; CDG Ih. Identifiers: Orphanet 79325, MedGen C2931002, MONDO:0011969, OMIM 608104.
Polycystic liver disease 3 with or without kidney cysts. Identifiers: MedGen C4693472, MONDO:0054743, OMIM 617874.

Allele frequency attached by ClinVar (database versions not stated): gnomAD exomes 0.00015 and 0.00023; gnomAD 0.00020 and 0.00023; ExAC 0.00024; TOPMed 0.00025; ESP Exome Variant Server 0.00031.
gnomAD v4.1: 231 of 1,495,074 alleles (0.015%); highest among the groups gnomAD compares: Middle Eastern, 0.034%; no homozygotes.

Submissions (6):

Labcorp Genetics (formerly Invitae), Labcorp
Classification: Uncertain significance for ALG8 congenital disorder of glycosylation. Last evaluated: 2025-10-28. Review status: criteria provided, single submitter. Criteria: Invitae Variant Classification Sherloc (09022015). Collection method: clinical testing. Allele origin: germline.
Comment: This sequence change replaces isoleucine, which is neutral and non-polar, with valine, which is neutral and non-polar, at codon 429 of the ALG8 protein (p.Ile429Val). This variant is present in population databases (rs200068321, gnomAD 0.04%). This variant has not been reported in the literature in individuals affected with ALG8-related conditions. ClinVar contains an entry for this variant (Variation ID: 538563). Invitae Evidence Modeling of protein sequence and biophysical properties (such as structural, functional, and spatial information, amino acid conservation, physicochemical variation, residue mobility, and thermodynamic stability) indicates that this missense variant is not expected to disrupt ALG8 protein function with a negative predictive value of 80%. In summary, the available evidence is currently insufficient to determine the role of this variant in disease. Therefore, it has been classified as a Variant of Uncertain Significance.

GeneDx
Classification: Uncertain significance. Last evaluated: 2025-02-21. Review status: criteria provided, single submitter. Criteria: GeneDx Variant Classification Process June 2021. Collection method: clinical testing. Allele origin: germline. Affected: yes.
Comment: In silico analysis indicates that this missense variant does not alter protein structure/function; Has not been previously published as pathogenic or benign to our knowledge

Blueprint Genetics
Classification: Uncertain significance. Last evaluated: 2024-10-18. Review status: criteria provided, single submitter. Criteria: ACMG Guidelines, 2015. Collection method: clinical testing. Allele origin: germline.

Fulgent Genetics
Classification: Uncertain significance for ALG8 congenital disorder of glycosylation; Polycystic liver disease 3 with or without kidney cysts. Last evaluated: 2022-02-18. Review status: criteria provided, single submitter. Criteria: ACMG Guidelines, 2015. Collection method: clinical testing. Allele origin: unknown.

Baylor Genetics
Classification: Uncertain significance for ALG8 congenital disorder of glycosylation. Last evaluated: 2018-02-05. Review status: criteria provided, single submitter. Criteria: ACMG Guidelines, 2015. Collection method: clinical testing. Allele origin: paternal. Affected: yes.
Comment: This variant was determined to be of uncertain significance according to ACMG Guidelines, 2015 [PMID:25741868].

Illumina Laboratory Services, Illumina
Classification: Uncertain significance for ALG8 congenital disorder of glycosylation. Last evaluated: 2018-01-13. Review status: criteria provided, single submitter. Criteria: ICSL Variant Classification Criteria 13 December 2019. Collection method: clinical testing. Allele origin: germline.